The following is an entry in ClinVar:

ClinVar aggregate classification (germline): Uncertain significance. Review status: criteria provided, multiple submitters, no conflicts (2 of 4 stars). 2 submissions from 2 submitters: Uncertain significance (2). Last evaluated 2025-06-22.

Conditions:
DCHS1-related disorder. Also called: DCHS1-related condition.

gnomAD v4.1: 14 of 1,600,552 alleles (0.00087%); highest among the groups gnomAD compares: East Asian, 0.0023%; no homozygotes.

Submissions (2):

Labcorp Genetics (formerly Invitae), Labcorp
Classification: Uncertain significance. Last evaluated: 2025-06-22. Review status: criteria provided, single submitter. Criteria: Invitae Variant Classification Sherloc (09022015). Collection method: clinical testing. Allele origin: germline.
Comment: This sequence change replaces glutamic acid, which is acidic and polar, with lysine, which is basic and polar, at codon 3154 of the DCHS1 protein (p.Glu3154Lys). The frequency data for this variant in the population databases is considered unreliable, as metrics indicate poor data quality at this position in the gnomAD database. This variant has not been reported in the literature in individuals affected with DCHS1-related conditions. ClinVar contains an entry for this variant (Variation ID: 3730399). Invitae Evidence Modeling of protein sequence and biophysical properties (such as structural, functional, and spatial information, amino acid conservation, physicochemical variation, residue mobility, and thermodynamic stability) indicates that this missense variant is not expected to disrupt DCHS1 protein function with a negative predictive value of 80%. In summary, the available evidence is currently insufficient to determine the role of this variant in disease. Therefore, it has been classified as a Variant of Uncertain Significance.

PreventionGenetics, part of Exact Sciences
Classification: Uncertain significance for DCHS1-related condition. Last evaluated: 2025-01-16. Review status: criteria provided, single submitter. Criteria: ACMG Guidelines, 2015. Collection method: clinical testing. Allele origin: germline.
Comment: The DCHS1 c.9460G>A variant is predicted to result in the amino acid substitution p.Glu3154Lys. To our knowledge, this variant has not been reported in the literature. This variant is reported in 0.011% of alleles in individuals of Ashkenazi Jewish descent in gnomAD. At this time, the clinical significance of this variant is uncertain due to the absence of conclusive functional and genetic evidence.

NM_003737.4(DCHS1):c.9460G>A (p.Glu3154Lys)

Gene: DCHS1 (dachsous cadherin-related 1; minus strand). Cytogenetic location: 11p15.4.
Variant type: single nucleotide variant.
Coding change: c.9460G>A on transcript NM_003737.4 (MANE Select); coding-DNA position 9460, G replaced by A.
Protein change: p.Glu3154Lys; replaces glutamic acid 3154 with lysine.
Molecular consequence: missense variant.
Genome position (GRCh38, 1-based): chr11:6,622,216, C>T on the plus strand (G>A on the coding strand, the complement: DCHS1 is on the minus strand). VCF-style: chr11-6622216-C-T. GRCh37 (hg19) VCF-style: chr11-6643447-C-T.
Other names: c.9460G>A (NM_003737.3); short protein forms E3154K.
Identifiers: ClinVar variation 3730399 (VCV003730399.3).